The following is an entry in ClinVar:

ClinVar aggregate classification (germline): Likely benign (1 of 4 stars; one submission).

Allele frequency attached by ClinVar (database versions not stated): gnomAD exomes 0.00111; ExAC 0.00121; ESP Exome Variant Server 0.00131; gnomAD 0.00135; TOPMed 0.00170; 1000 Genomes Project 0.00180; 1000 Genomes Project 30x 0.00265.
gnomAD v4.1: 1,873 of 1,613,610 alleles (0.12%); highest among the groups gnomAD compares: Middle Eastern, 1.6%; 8 homozygotes.

Submission:

CeGaT Center for Human Genetics Tuebingen
Classification: Likely benign. Last evaluated: 2023-11-01. Review status: criteria provided, single submitter. Criteria: CeGaT Center For Human Genetics Tuebingen Variant Classification Criteria Version 2. Collection method: clinical testing. Allele origin: germline. Affected: yes. Observed: 2 variant alleles.
Comment: ZDHHC11: BP4, BS2

NM_024786.3(ZDHHC11):c.192G>A (p.Leu64=)

Gene: ZDHHC11 (zDHHC palmitoyltransferase 11; minus strand). Cytogenetic location: 5p15.33.
Variant type: single nucleotide variant.
Coding change: c.192G>A on transcript NM_024786.3 (MANE Select); coding-DNA position 192, G replaced by A.
Protein change: p.Leu64=; no amino-acid change (leucine 64 retained).
Molecular consequence: synonymous variant.
Genome position (GRCh38, 1-based): chr5:850,411, C>T on the plus strand (G>A on the coding strand, the complement: ZDHHC11 is on the minus strand). VCF-style: chr5-850411-C-T. GRCh37 (hg19) VCF-style: chr5-850526-C-T.
Other names: c.192G>A, p.Leu64= (NM_001393492.1).
Identifiers: ClinVar variation 2655260 (VCV002655260.24), dbSNP rs144293540, ClinGen allele CA3178879.